The following is an entry in ClinVar:

NM_005076.5(CNTN2):c.2775C>G (p.Ser925Arg)

Genes: CNTN2 (contactin 2; plus strand), LOC126805985 (MED14-independent group 3 enhancer GRCh37_chr1:205041546-205042745; plus strand). Cytogenetic location: 1q32.1.
Variant type: single nucleotide variant.
Coding change: c.2775C>G on transcript NM_005076.5 (MANE Select); coding-DNA position 2775, C replaced by G.
Protein change: p.Ser925Arg; replaces serine 925 with arginine.
Molecular consequence: missense variant. On other transcripts: non-coding transcript variant (1).
Genome position (GRCh38, 1-based): chr1:205,072,526, C>G. VCF-style: chr1-205072526-C-G. GRCh37 (hg19) VCF-style: chr1-205041654-C-G.
Other names: c.2775C>G, p.Ser925Arg (NM_001346083.2); short protein forms S925R.
Identifiers: ClinVar variation 1473920 (VCV001473920.8), dbSNP rs1654649315, ClinGen allele CA344382493.

ClinVar aggregate classification (germline): Uncertain significance (1 of 4 stars; one submission).

Conditions:
Epilepsy, familial adult myoclonic, 5 (EPEO5). Also called: CORTICAL MYOCLONIC TREMOR WITH EPILEPSY, FAMILIAL, 5. Identifiers: Orphanet 86814, MedGen C3809374, MONDO:0014167, OMIM 615400.

Allele frequency attached by ClinVar (database versions not stated): gnomAD 0.00001; TOPMed 0.00001.
gnomAD v4.1: 1 of 1,614,062 alleles (0.000062%); highest among the groups gnomAD compares: African/African-American, 0.0013%; no homozygotes.

Submission:

Labcorp Genetics (formerly Invitae), Labcorp
Classification: Uncertain significance for Epilepsy, familial adult myoclonic, 5. Last evaluated: 2021-05-04. Review status: criteria provided, single submitter. Criteria: Invitae Variant Classification Sherloc (09022015). Collection method: clinical testing. Allele origin: germline.
Comment: This variant has not been reported in the literature in individuals with CNTN2-related conditions. This variant is not present in population databases (ExAC no frequency). This sequence change replaces serine with arginine at codon 925 of the CNTN2 protein (p.Ser925Arg). The serine residue is highly conserved and there is a moderate physicochemical difference between serine and arginine. Advanced modeling of protein sequence and biophysical properties (such as structural, functional, and spatial information, amino acid conservation, physicochemical variation, residue mobility, and thermodynamic stability) performed at Invitae indicates that this missense variant is not expected to disrupt CNTN2 protein function. In summary, the available evidence is currently insufficient to determine the role of this variant in disease. Therefore, it has been classified as a Variant of Uncertain Significance.